The following is an entry in ClinVar:

ClinVar aggregate classification (germline): Likely benign (1 of 4 stars; one submission).

Submission:

CeGaT Center for Human Genetics Tuebingen
Classification: Likely benign. Last evaluated: 2025-12-01. Review status: criteria provided, single submitter. Criteria: CeGaT Center For Human Genetics Tuebingen Variant Classification Criteria Version 2. Collection method: clinical testing. Allele origin: germline. Affected: yes. Observed: 7 variant alleles.
Comment: MUC5B: BP4, BS1

NM_002458.3(MUC5B):c.11348G>T (p.Arg3783Ile)

Genes: MUC5B (mucin 5B, oligomeric mucus/gel-forming; plus strand), MUC5B-AS1 (MUC5B antisense RNA 1; minus strand). Cytogenetic location: 11p15.5.
Variant type: single nucleotide variant.
Coding change: c.11348G>T on transcript NM_002458.3 (MANE Select); coding-DNA position 11348, G replaced by T.
Protein change: p.Arg3783Ile; replaces arginine 3783 with isoleucine.
Molecular consequence: missense variant.
Genome position (GRCh38, 1-based): chr11:1,248,228, G>T. VCF-style: chr11-1248228-G-T. GRCh37 (hg19) VCF-style: chr11-1269458-G-T.
Other names: short protein forms R3783I.
Identifiers: ClinVar variation 3257632 (VCV003257632.17).
Genomic context (GRCh38, chr11:1,248,228, plus strand): 5'-CCAGCTCCAAAGCCACTCCCTTCTCCAGTCCAGGGACTGCAACCGCCCTTCCAGCACTGA[G>T]AAGCACAGCCACCACACCCACAGCTACCAGCTTTACAGCCATCCCCTCCTCCTCCCTGGG-3'
Protein context (NP_002449.2, residues 3773-3793): PGTATALPAL[Arg3783Ile]STATTPTATS